The following is an entry in ClinVar:

Conditions:
Long QT syndrome 5 (LQT5). Identifiers: Orphanet 101016, Orphanet 768, MedGen C1867904, MONDO:0013372, OMIM 613695.

Submission:

Roden Lab, Vanderbilt University Medical Center
No classification provided (evidence only). Condition: Long QT syndrome 5. Review status: no classification provided. Collection method: in vitro. Allele origin: not applicable. Functional consequence: Effect on ion channel function.
ClinVar note: "not provided" was previously submitted as the classification for the variant. However, the classification appeared to be based only on an observation of functional data so it was converted to no classification on 2025-07-30.

NM_000219.6(KCNE1):c.326T>A (p.Val109Asp)

Gene: KCNE1 (potassium voltage-gated channel subfamily E regulatory subunit 1; minus strand). Cytogenetic location: 21q22.12.
Variant type: single nucleotide variant.
Coding change: c.326T>A on transcript NM_000219.6 (MANE Select); coding-DNA position 326, T replaced by A.
Protein change: p.Val109Asp; replaces valine 109 with aspartic acid.
Molecular consequence: missense variant.
Genome position (GRCh38, 1-based): chr21:34,449,309, A>T on the plus strand (T>A on the coding strand, the complement: KCNE1 is on the minus strand). VCF-style: chr21-34449309-A-T. GRCh37 (hg19) VCF-style: chr21-35821607-A-T.
Other names: c.326T>A, p.Val109Asp (NM_001127668.4, NM_001127669.4, NM_001127670.4 and 4 more transcripts); short protein forms V109D.
Identifiers: ClinVar variation 3374645 (VCV003374645.2).